The following is an entry in ClinVar:

ClinVar aggregate classification (germline): Uncertain significance (1 of 4 stars; one submission).

Allele frequency attached by ClinVar (database versions not stated): ExAC 0.00002; gnomAD exomes 0.00002 and 0.00003; TOPMed 0.00002.
gnomAD v4.1: 33 of 1,613,734 alleles (0.002%); highest among the groups gnomAD compares: Non-Finnish European, 0.0028%; no homozygotes.

Submission:

Labcorp Genetics (formerly Invitae), Labcorp
Classification: Uncertain significance. Last evaluated: 2022-11-08. Review status: criteria provided, single submitter. Criteria: Invitae Variant Classification Sherloc (09022015). Collection method: clinical testing. Allele origin: germline.
Comment: This sequence change replaces threonine, which is neutral and polar, with alanine, which is neutral and non-polar, at codon 114 of the BMPER protein (p.Thr114Ala). This variant is present in population databases (rs761287443, gnomAD 0.006%). This variant has not been reported in the literature in individuals affected with BMPER-related conditions. ClinVar contains an entry for this variant (Variation ID: 1500921). Advanced modeling of protein sequence and biophysical properties (such as structural, functional, and spatial information, amino acid conservation, physicochemical variation, residue mobility, and thermodynamic stability) performed at Invitae indicates that this missense variant is not expected to disrupt BMPER protein function. In summary, the available evidence is currently insufficient to determine the role of this variant in disease. Therefore, it has been classified as a Variant of Uncertain Significance.

NM_001365308.1(BMPER):c.340A>G (p.Thr114Ala)

Gene: BMPER (BMP binding endothelial regulator; plus strand). Cytogenetic location: 7p14.3.
Variant type: single nucleotide variant.
Coding change: c.340A>G on transcript NM_001365308.1 (MANE Select); coding-DNA position 340, A replaced by G.
Protein change: p.Thr114Ala; replaces threonine 114 with alanine.
Molecular consequence: missense variant.
Genome position (GRCh38, 1-based): chr7:33,966,499, A>G. VCF-style: chr7-33966499-A-G. GRCh37 (hg19) VCF-style: chr7-34006111-A-G.
Other names: c.340A>G, p.Thr114Ala (NM_133468.5); short protein forms T114A.
Identifiers: ClinVar variation 1500921 (VCV001500921.7), dbSNP rs761287443, ClinGen allele CA4215023.